The following is an entry in ClinVar:

ClinVar aggregate classification (germline): Uncertain significance (1 of 4 stars; one submission).

Conditions:
Focal segmental glomerulosclerosis 7 (FSGS7). Identifiers: Orphanet 656, MedGen C4014925, MONDO:0014451, OMIM 616002.
Renal coloboma syndrome (PAPRS). Also called: COLOBOMA OF OPTIC NERVE WITH RENAL DISEASE; OPTIC COLOBOMA, VESICOURETERAL REFLUX, AND RENAL ANOMALIES; OPTIC NERVE COLOBOMA WITH RENAL DISEASE; RENAL-COLOBOMA SYNDROME WITH MACULAR ABNORMALITIES; PAPILLORENAL SYNDROME WITH MILD OCULAR ABNORMALITIES; CONGENITAL ANOMALIES OF THE KIDNEY AND URINARY TRACT WITH OR WITHOUT OCULAR ABNORMALITIES. Identifiers: Orphanet 1475, MedGen C1852759, MONDO:0007352, OMIM 120330.

Submission:

Labcorp Genetics (formerly Invitae), Labcorp
Classification: Uncertain significance for Renal coloboma syndrome; Focal segmental glomerulosclerosis 7. Last evaluated: 2022-07-06. Review status: criteria provided, single submitter. Criteria: Invitae Variant Classification Sherloc (09022015). Collection method: clinical testing. Allele origin: germline.
Comment: This variant is not present in population databases (gnomAD no frequency). This sequence change replaces glutamic acid with glutamine at codon 121 of the PAX2 protein (p.Glu121Gln). The glutamic acid residue is highly conserved and there is a small physicochemical difference between glutamic acid and glutamine. This variant has not been reported in the literature in individuals affected with PAX2-related conditions. In summary, the available evidence is currently insufficient to determine the role of this variant in disease. Therefore, it has been classified as a Variant of Uncertain Significance. Experimental studies and prediction algorithms are not available or were not evaluated, and the functional significance of this variant is currently unknown. ClinVar contains an entry for this variant (Variation ID: 1379439).

NM_000278.5(PAX2):c.361G>C (p.Glu121Gln)

Gene: PAX2 (paired box 2; plus strand). Cytogenetic location: 10q24.31.
Variant type: single nucleotide variant.
Coding change: c.361G>C on transcript NM_000278.5 (MANE Select); coding-DNA position 361, G replaced by C.
Protein change: p.Glu121Gln; replaces glutamic acid 121 with glutamine.
Molecular consequence: missense variant.
Genome position (GRCh38, 1-based): chr10:100,750,842, G>C. VCF-style: chr10-100750842-G-C. GRCh37 (hg19) VCF-style: chr10-102510599-G-C.
Other names: c.454G>C, p.Glu152Gln (NM_001304569.2); c.361G>C, p.Glu121Gln (NM_003987.5, NM_003988.5, NM_003989.5 and 1 more transcripts); short protein forms E152Q, E121Q.
Identifiers: ClinVar variation 1379439 (VCV001379439.6), dbSNP rs1162043378, ClinGen allele CA378258110.